The following is an entry in ClinVar:

NM_021975.4(RELA):c.144C>T (p.Gly48=)

Gene: RELA (RELA proto-oncogene, NF-kB subunit; minus strand). Cytogenetic location: 11q13.1.
Variant type: single nucleotide variant.
Coding change: c.144C>T on transcript NM_021975.4 (MANE Select); coding-DNA position 144, C replaced by T.
Protein change: p.Gly48=; no amino-acid change (glycine 48 retained).
Molecular consequence: synonymous variant. On other transcripts: 5 prime UTR variant (1).
Genome position (GRCh38, 1-based): chr11:65,661,979, G>A on the plus strand (C>T on the coding strand, the complement: RELA is on the minus strand). VCF-style: chr11-65661979-G-A. GRCh37 (hg19) VCF-style: chr11-65429450-G-A.
Other names: c.144C>T, p.Gly48= (NM_001145138.2, NM_001243984.2, NM_001243985.2 and 3 more transcripts); c.117C>T, p.Gly39= (NM_001404658.1); c.-146C>T (NM_001404661.1); c.51C>T, p.Gly17= (NM_001404662.1, NM_001404663.1).
Identifiers: ClinVar variation 2018158 (VCV002018158.4), dbSNP rs1184269069, ClinGen allele CA475476496.
Genomic context (GRCh38, chr11:65,661,979, plus strand): 5'-CCCTGGCGCAGTGCTGACCTTGATGGTGGGGTGGGTCTTGGTGGTATCTGTGCTCCTCTC[G>A]CCTGGGATGCTGCCCGCGGAGCGCCCCTCGCACTTGTAGCGGAAGCGCATGCCCCGCTGC-3'
Protein context (NP_068810.3, residues 38-58): CEGRSAGSIP[Gly48=]ERSTDTTKTH

ClinVar aggregate classification (germline): Uncertain significance (1 of 4 stars; one submission).

Allele frequency attached by ClinVar (database versions not stated): gnomAD exomes below 0.00001; gnomAD 0.00001.

Submission:

Labcorp Genetics (formerly Invitae), Labcorp
Classification: Uncertain significance. Last evaluated: 2022-07-19. Review status: criteria provided, single submitter. Criteria: Invitae Variant Classification Sherloc (09022015). Collection method: clinical testing. Allele origin: germline.
Comment: In summary, the available evidence is currently insufficient to determine the role of this variant in disease. Therefore, it has been classified as a Variant of Uncertain Significance. Algorithms developed to predict the effect of sequence changes on RNA splicing suggest that this variant may create or strengthen a splice site. This variant has not been reported in the literature in individuals affected with RELA-related conditions. This variant is not present in population databases (gnomAD no frequency). This sequence change affects codon 48 of the RELA mRNA. It is a 'silent' change, meaning that it does not change the encoded amino acid sequence of the RELA protein.